The following is an entry in ClinVar:

ClinVar aggregate classification (germline): Uncertain significance. Review status: criteria provided, multiple submitters, no conflicts (2 of 4 stars). 2 submissions from 2 submitters: Uncertain significance (2). Last evaluated 2024-06-28.

Conditions:
Hereditary cancer-predisposing syndrome. Also called: Hereditary Cancer Syndrome; Tumor predisposition; Neoplastic Syndromes, Hereditary; Hereditary neoplastic syndrome. Identifiers: Orphanet 140162, MedGen C0027672, MeSH D009386, MONDO:0015356.
Breast-ovarian cancer, familial, susceptibility to, 4. Identifiers: Orphanet 145, MedGen C3280345, MONDO:0013669, OMIM 614291.

Submissions (2):

Ambry Genetics
Classification: Uncertain significance for Hereditary cancer-predisposing syndrome. Last evaluated: 2024-06-28. Review status: criteria provided, single submitter. Criteria: Ambry Variant Classification Scheme 2023. Collection method: clinical testing. Allele origin: germline.
Comment: The c.909A>G variant (also known as p.T303T), located in coding exon 10 of the RAD51D gene, results from an A to G substitution at nucleotide position 909. This nucleotide substitution does not change the amino acid at codon 303. This nucleotide position is well conserved in available vertebrate species. In silico splice site analysis predicts that this alteration may weaken the native splice acceptor site; however, direct evidence is insufficient at this time (Ambry internal data). Based on the available evidence, the clinical significance of this variant remains unclear.

Labcorp Genetics (formerly Invitae), Labcorp
Classification: Uncertain significance for Breast-ovarian cancer, familial, susceptibility to, 4. Last evaluated: 2024-01-27. Review status: criteria provided, single submitter. Criteria: Invitae Variant Classification Sherloc (09022015). Collection method: clinical testing. Allele origin: germline.
Comment: This sequence change affects codon 303 of the RAD51D mRNA. It is a 'silent' change, meaning that it does not change the encoded amino acid sequence of the RAD51D protein. This variant is not present in population databases (gnomAD no frequency). This variant has not been reported in the literature in individuals affected with RAD51D-related conditions. ClinVar contains an entry for this variant (Variation ID: 2123712). Algorithms developed to predict the effect of sequence changes on RNA splicing suggest that this variant may disrupt the consensus splice site. In summary, the available evidence is currently insufficient to determine the role of this variant in disease. Therefore, it has been classified as a Variant of Uncertain Significance.

NM_002878.4(RAD51D):c.909A>G (p.Thr303=)

Genes: RAD51D (RAD51 paralog D; minus strand), RAD51L3-RFFL (RAD51L3-RFFL readthrough; minus strand). Cytogenetic location: 17q12.
Variant type: single nucleotide variant.
Coding change: c.909A>G on transcript NM_002878.4 (MANE Select); coding-DNA position 909, A replaced by G.
Protein change: p.Thr303=; no amino-acid change (threonine 303 retained).
Molecular consequence: synonymous variant. On other transcripts: non-coding transcript variant (2).
Genome position (GRCh38, 1-based): chr17:35,101,031, T>C on the plus strand (A>G on the coding strand, the complement: RAD51D is on the minus strand). VCF-style: chr17-35101031-T-C. GRCh37 (hg19) VCF-style: chr17-33428050-T-C.
Other names: c.969A>G, p.Thr323= (NM_001142571.2); c.573A>G, p.Thr191= (NM_133629.3).
Identifiers: ClinVar variation 2123712 (VCV002123712.5), dbSNP rs2142409375, ClinGen allele CA499728670.